The following is an entry in ClinVar:

ClinVar aggregate classification (germline): Uncertain significance. Review status: criteria provided, multiple submitters, no conflicts (2 of 4 stars). 2 submissions from 2 submitters: Uncertain significance (2). Last evaluated 2025-01-22.

Allele frequency attached by ClinVar (database versions not stated): gnomAD 0.00006; ESP Exome Variant Server 0.00008; ExAC 0.00009.

Submissions (2):

Ambry Genetics
Classification: Uncertain significance. Last evaluated: 2025-01-22. Review status: criteria provided, single submitter. Criteria: Ambry Variant Classification Scheme 2023. Collection method: clinical testing. Allele origin: germline.

Labcorp Genetics (formerly Invitae), Labcorp
Classification: Uncertain significance. Last evaluated: 2024-01-02. Review status: criteria provided, single submitter. Criteria: Invitae Variant Classification Sherloc (09022015). Collection method: clinical testing. Allele origin: germline.
Comment: This sequence change replaces arginine, which is basic and polar, with histidine, which is basic and polar, at codon 430 of the WDR36 protein (p.Arg430His). This variant is present in population databases (rs145743089, gnomAD 0.02%). This variant has not been reported in the literature in individuals affected with WDR36-related conditions. ClinVar contains an entry for this variant (Variation ID: 2412175). An algorithm developed to predict the effect of missense changes on protein structure and function (PolyPhen-2) suggests that this variant is likely to be disruptive. In summary, the available evidence is currently insufficient to determine the role of this variant in disease. Therefore, it has been classified as a Variant of Uncertain Significance.

NM_139281.3(WDR36):c.1121G>A (p.Arg374His)

Gene: WDR36 (WD repeat domain 36; plus strand). Cytogenetic location: 5q22.1.
Variant type: single nucleotide variant.
Coding change: c.1121G>A on transcript NM_139281.3 (MANE Select); coding-DNA position 1121, G replaced by A.
Protein change: p.Arg374His; replaces arginine 374 with histidine.
Molecular consequence: missense variant.
Genome position (GRCh38, 1-based): chr5:111,106,084, G>A. VCF-style: chr5-111106084-G-A. GRCh37 (hg19) VCF-style: chr5-110441783-G-A.
Other names: short protein forms R374H.
Identifiers: ClinVar variation 2412175 (VCV002412175.6), dbSNP rs145743089, ClinGen allele CA3365558.